The following is an entry in ClinVar:

ClinVar aggregate classification (germline): Uncertain significance (1 of 4 stars; one submission).

Conditions:
Familial thoracic aortic aneurysm and aortic dissection (TAAD). Also called: Thoracic aortic aneurysms and dissections. Identifiers: Orphanet 91387, MedGen C4707243, MONDO:0019625.

Allele frequency attached by ClinVar (database versions not stated): gnomAD exomes below 0.00001.

Submission:

Color Diagnostics, LLC DBA Color Health
Classification: Uncertain significance for Familial thoracic aortic aneurysm and aortic dissection. Last evaluated: 2023-12-04. Review status: criteria provided, single submitter. Criteria: ACMG Guidelines, 2015. Collection method: clinical testing. Allele origin: germline.
Comment: Variant of Uncertain Significance due to insufficient evidence: This missense variant is located in the myosin motor domain of the MYH11 protein. Computational prediction tools and conservation analyses are inconclusive regarding the impact of this variant on the protein function. Computational splicing tools suggest that this variant may not impact RNA splicing. To our knowledge, functional assays have not been performed for this variant nor has this variant been reported in individuals affected with cardiovascular disorders in the literature. This variant is rare in the general population and has been identified in 0/277264 chromosomes by the Genome Aggregation Database (gnomAD). Available evidence is insufficient to determine the role of this variant in disease conclusively.

NM_002474.3(MYH11):c.423G>A (p.Met141Ile)

Gene: MYH11 (myosin heavy chain 11; minus strand). Cytogenetic location: 16p13.11.
Variant type: single nucleotide variant.
Coding change: c.423G>A on transcript NM_002474.3 (MANE Select); coding-DNA position 423, G replaced by A.
Protein change: p.Met141Ile; replaces methionine 141 with isoleucine.
Molecular consequence: missense variant.
Genome position (GRCh38, 1-based): chr16:15,823,334, C>T on the plus strand (G>A on the coding strand, the complement: MYH11 is on the minus strand). VCF-style: chr16-15823334-C-T. GRCh37 (hg19) VCF-style: chr16-15917191-C-T.
Other names: c.423G>A, p.Met141Ile (NM_001040113.2, NM_001040114.2, NM_022844.3); short protein forms M141I.
Identifiers: ClinVar variation 924637 (VCV000924637.5), dbSNP rs2043466892, ClinGen allele CA394882441.